The following is an entry in ClinVar:

ClinVar aggregate classification (germline): Likely benign (1 of 4 stars; one submission).

gnomAD v4.1: 302 of 1,547,038 alleles (0.02%); highest among the groups gnomAD compares: Middle Eastern, 0.14%; no homozygotes.

Submission:

CeGaT Center for Human Genetics Tuebingen
Classification: Likely benign. Last evaluated: 2026-09-01. Review status: criteria provided, single submitter. Criteria: CeGaT Center For Human Genetics Tuebingen Variant Classification Criteria Version 2. Collection method: clinical testing. Allele origin: germline. Affected: yes. Observed: 3 variant alleles.
Comment: OXR1: BP4, BP7

NM_001198533.2(OXR1):c.315G>A (p.Arg105=)

Gene: OXR1 (oxidation resistance 1; plus strand). Cytogenetic location: 8q23.1.
Variant type: single nucleotide variant.
Coding change: c.315G>A on transcript NM_001198533.2 (MANE Select); coding-DNA position 315, G replaced by A.
Protein change: p.Arg105=; no amino-acid change (arginine 105 retained).
Molecular consequence: synonymous variant.
Genome position (GRCh38, 1-based): chr8:106,683,210, G>A. VCF-style: chr8-106683210-G-A. GRCh37 (hg19) VCF-style: chr8-107695438-G-A.
Other names: c.318G>A, p.Arg106= (NM_001198532.1); c.315G>A, p.Arg105= (NM_018002.3); c.294G>A, p.Arg98= (NM_181354.4).
Identifiers: ClinVar variation 4821259 (VCV004821259.4).